The following is an entry in ClinVar:

NM_153741.2(DPM3):c.205del (p.Asp69fs)

Gene: DPM3 (dolichyl-phosphate mannosyltransferase subunit 3, regulatory; minus strand). Cytogenetic location: 1q22.
Variant type: Deletion.
Coding change: c.205del on transcript NM_153741.2 (MANE Select); coding-DNA position 205, one base deleted (G; older notation c.205delG).
Protein change: p.Asp69fs; shifts the reading frame from aspartic acid 69.
Molecular consequence: frameshift variant.
Genome position (GRCh38, 1-based): chr1:155,140,036, C deleted on the plus strand (G on the coding strand, the reverse complement: DPM3 is on the minus strand); the first of 2 consecutive C bases (chr1:155,140,036-155,140,037); deleting either gives the same sequence. VCF-style (leftmost placement, unchanged base first): chr1-155140035-TC-T. GRCh37 (hg19) VCF-style: chr1-155112511-TC-T.
Other names: c.295del, p.Asp99fs (NM_018973.4); short protein forms D99fs, D69fs.
Identifiers: ClinVar variation 2762867 (VCV002762867.3), dbSNP rs2526668106, ClinGen allele CA2648230185.

ClinVar aggregate classification (germline): Pathogenic (1 of 4 stars; one submission).

Conditions:
DPM3-congenital disorder of glycosylation (MDDGC15). Also called: DPM3-CDG; CDG Io; CDG1(DPM3); MUSCULAR DYSTROPHY-DYSTROGLYCANOPATHY (LIMB-GIRDLE), TYPE C, 15. Identifiers: Orphanet 263494, MedGen C2752007, MONDO:0013049, OMIM 612937.

Submission:

Labcorp Genetics (formerly Invitae), Labcorp
Classification: Pathogenic for DPM3-congenital disorder of glycosylation. Last evaluated: 2024-11-29. Review status: criteria provided, single submitter. Criteria: Invitae Variant Classification Sherloc (09022015). Collection method: clinical testing. Allele origin: germline.
Comment: This sequence change creates a premature translational stop signal (p.Asp69Thrfs*17) in the DPM3 gene. While this is not anticipated to result in nonsense mediated decay, it is expected to disrupt the last 24 amino acid(s) of the DPM3 protein. This variant is not present in population databases (gnomAD no frequency). This variant has not been reported in the literature in individuals affected with DPM3-related conditions. ClinVar contains an entry for this variant (Variation ID: 2762867). This variant disrupts a region of the DPM3 protein in which other variant(s) (Leu85*) have been determined to be pathogenic (PMID: 31469168; internal data). This suggests that this is a clinically significant region of the protein, and that variants that disrupt it are likely to be disease-causing. For these reasons, this variant has been classified as Pathogenic.

Literature cited by the submitters: PubMed 31469168.